The following is an entry in ClinVar:

ClinVar aggregate classification (germline): Likely pathogenic (1 of 4 stars; one submission).

Submission:

Labcorp Genetics (formerly Invitae), Labcorp
Classification: Likely pathogenic. Last evaluated: 2023-12-13. Review status: criteria provided, single submitter. Criteria: Invitae Variant Classification Sherloc (09022015). Collection method: clinical testing. Allele origin: unknown.
Comment: This variant results in a copy number gain of the genomic region encompassing exon(s) 6-8 of the EYS gene. While the exact position of this variant cannot be determined from the data, sub-genic copy number gains are generally in tandem (PMID: 25640679). This variant is predicted to be out-of-frame, and may result in an absent or disrupted protein product. Loss-of-function variants in EYS are known to be pathogenic (PMID: 18836446, 20333770). This variant has not been reported in the literature in individuals affected with EYS-related conditions. In summary, the currently available evidence indicates that the variant is pathogenic, but additional data are needed to prove that conclusively. Therefore, this variant has been classified as Likely Pathogenic.

Literature cited by the submitters: PubMed 25640679; PubMed 18836446; PubMed 20333770.

NC_000006.11:g.(?_66094259)_(66115280_?)dup

Gene: EYS (eyes shut homolog; minus strand). Cytogenetic location: 6q12.
Variant type: Duplication.
Identifiers: ClinVar variation 3246143 (VCV003246143.1).